The following is an entry in ClinVar:

NM_005751.5(AKAP9):c.11308A>G (p.Arg3770Gly)

Gene: AKAP9 (A-kinase anchoring protein 9; plus strand). Cytogenetic location: 7q21.2.
Variant type: single nucleotide variant.
Coding change: c.11308A>G on transcript NM_005751.5 (MANE Select); coding-DNA position 11308, A replaced by G.
Protein change: p.Arg3770Gly; replaces arginine 3770 with glycine.
Molecular consequence: missense variant.
Genome position (GRCh38, 1-based): chr7:92,102,804, A>G. VCF-style: chr7-92102804-A-G. GRCh37 (hg19) VCF-style: chr7-91732118-A-G.
Other names: c.5953A>G, p.Arg1985Gly (NM_001379277.1); c.11284A>G, p.Arg3762Gly (NM_147185.3); short protein forms R1985G, R3762G, R3770G.
Identifiers: ClinVar variation 4737792 (VCV004737792.1).

ClinVar aggregate classification (germline): Uncertain significance (1 of 4 stars; one submission).

Conditions:
Long QT syndrome (LQTS). Identifiers: MedGen C0023976, MeSH D008133, MONDO:0002442. Disease mechanism: loss of function. Inheritance: Various modes of inheritance.

gnomAD v4.1: 6 of 1,614,108 alleles (0.00037%); highest among the groups gnomAD compares: Non-Finnish European, 0.00051%; no homozygotes.

Submission:

Labcorp Genetics (formerly Invitae), Labcorp
Classification: Uncertain significance for Long QT syndrome. Last evaluated: 2025-07-29. Review status: criteria provided, single submitter. Criteria: Invitae Variant Classification Sherloc (09022015). Collection method: clinical testing. Allele origin: germline.
Comment: This sequence change replaces arginine, which is basic and polar, with glycine, which is neutral and non-polar, at codon 3770 of the AKAP9 protein (p.Arg3770Gly). This variant is present in population databases (no rsID available, gnomAD 0.0009%). This variant has not been reported in the literature in individuals affected with AKAP9-related conditions. An algorithm developed to predict the effect of missense changes on protein structure and function (PolyPhen-2) suggests that this variant is likely to be disruptive. In summary, the available evidence is currently insufficient to determine the role of this variant in disease. Therefore, it has been classified as a Variant of Uncertain Significance.